The following is an entry in ClinVar:

NM_173598.6(KSR2):c.2515C>G (p.Gln839Glu)

Gene: KSR2 (kinase suppressor of ras 2; minus strand). Cytogenetic location: 12q24.22.
Variant type: single nucleotide variant.
Coding change: c.2515C>G on transcript NM_173598.6 (MANE Select); coding-DNA position 2515, C replaced by G.
Protein change: p.Gln839Glu; replaces glutamine 839 with glutamic acid.
Molecular consequence: missense variant.
Genome position (GRCh38, 1-based): chr12:117,476,531, G>C on the plus strand (C>G on the coding strand, the complement: KSR2 is on the minus strand). VCF-style: chr12-117476531-G-C. GRCh37 (hg19) VCF-style: chr12-117914336-G-C.
Other names: short protein forms Q839E.
Identifiers: ClinVar variation 4979912 (VCV004979912.1).

ClinVar aggregate classification (germline): Uncertain significance (1 of 4 stars; one submission).

Conditions:
KSR2-related disorder. Also called: KSR2-related condition.

Submission:

PreventionGenetics, part of Exact Sciences
Classification: Uncertain significance for KSR2-related condition. Last evaluated: 2026-03-05. Review status: criteria provided, single submitter. Criteria: ACMG Guidelines, 2015. Collection method: clinical testing. Allele origin: germline.
Comment: The KSR2 c.2428C>G variant is predicted to result in the amino acid substitution p.Gln810Glu. To our knowledge, this variant has not been reported in the literature or in a large population database (gnomAD), indicating this variant is rare. At this time, the clinical significance of this variant is uncertain due to the absence of conclusive functional and genetic evidence.